The following is an entry in ClinVar:

ClinVar aggregate classification (germline): Pathogenic (1 of 4 stars; one submission).

Conditions:
Polycystic kidney disease, adult type (PKD1). Also called: Polycystic Kidney, Autosomal Dominant; POLYCYSTIC KIDNEY DISEASE 1 WITH OR WITHOUT POLYCYSTIC LIVER DISEASE; Polycystic Kidney Disease 1, Autosomal Dominant; Polycystic kidney disease 1; Polycystic kidney disease 1, severe; POLYCYSTIC KIDNEY DISEASE, ADULT, TYPE I. Identifiers: MedGen C3149841, MONDO:0008263, OMIM 173900.

Submission:

MVZ Medizinische Genetik Mainz
Classification: Pathogenic for Polycystic kidney disease, adult type. Last evaluated: 2022-05-04. Review status: criteria provided, single submitter. Criteria: UK Practice Guidelines For Variant Classification V4 01 2020. Collection method: clinical testing. Allele origin: germline. Inheritance: Autosomal dominant inheritance. Affected: yes. Observed: 1 variant allele.
Comment: ACMG Criteria: PVS1, PM2_SUP, PP4

NM_001009944.3(PKD1):c.7884_7903dup (p.Glu2635fs)

Gene: PKD1 (polycystin 1, transient receptor potential channel interacting; minus strand). Cytogenetic location: 16p13.3.
Variant type: Duplication.
Coding change: c.7884_7903dup on transcript NM_001009944.3 (MANE Select); coding-DNA positions 7884 to 7903, 20 bases duplicated (GGCGGCAGAGCCCAAGCACG).
Protein change: p.Glu2635fs; shifts the reading frame from glutamic acid 2635.
Molecular consequence: frameshift variant.
Genome position (GRCh38, 1-based): chr16:2,105,435-2,105,454, CGTGCTTGGGCTCTGCCGCC duplicated on the plus strand (GGCGGCAGAGCCCAAGCACG on the coding strand, the reverse complement: PKD1 is on the minus strand). VCF-style (leftmost placement, unchanged base first): chr16-2105434-T-TCGTGCTTGGGCTCTGCCGCC. GRCh37 (hg19) VCF-style: chr16-2155435-T-TCGTGCTTGGGCTCTGCCGCC.
Other names: c.7884_7903dup, p.Glu2635fs (NM_000296.4); short protein forms E2635fs.
Identifiers: ClinVar variation 3068351 (VCV003068351.1), dbSNP rs2544769929, ClinGen allele CA2825002371.